The following is an entry in ClinVar:

NM_025114.4(CEP290):c.4330G>A (p.Asp1444Asn)

Gene: CEP290 (centrosomal protein 290; minus strand). Cytogenetic location: 12q21.32.
Variant type: single nucleotide variant.
Coding change: c.4330G>A on transcript NM_025114.4 (MANE Select); coding-DNA position 4330, G replaced by A.
Protein change: p.Asp1444Asn; replaces aspartic acid 1444 with asparagine.
Molecular consequence: missense variant.
Genome position (GRCh38, 1-based): chr12:88,086,146, C>T on the plus strand (G>A on the coding strand, the complement: CEP290 is on the minus strand). VCF-style: chr12-88086146-C-T. GRCh37 (hg19) VCF-style: chr12-88479923-C-T.
Other names: short protein forms D1444N.
Identifiers: ClinVar variation 2257185 (VCV002257185.3), dbSNP rs2500010947, ClinGen allele CA385996727.

ClinVar aggregate classification (germline): Uncertain significance (1 of 4 stars; one submission).

Conditions:
Inborn genetic diseases. Identifiers: MedGen C0950123, MeSH D030342.

Submission:

Ambry Genetics
Classification: Uncertain significance for Inborn genetic diseases. Last evaluated: 2026-05-21. Review status: criteria provided, single submitter. Criteria: Ambry Variant Classification Scheme 2023. Collection method: clinical testing. Allele origin: germline.
Comment: The c.4330G>A (p.D1444N) alteration is located in exon 34 (coding exon 33) of the CEP290 gene. This alteration results from a G to A substitution at nucleotide position 4330, causing the aspartic acid (D) at amino acid position 1444 to be replaced by an asparagine (N). This variant was not reported in population-based cohorts in the Genome Aggregation Database (gnomAD). This amino acid position is highly conserved in available vertebrate species. This alteration is predicted to be tolerated by in silico analysis. Based on insufficient or conflicting evidence, the clinical significance of this alteration remains unclear.